The following is an entry in ClinVar:

ClinVar aggregate classification (germline): Uncertain significance. Review status: criteria provided, multiple submitters, no conflicts (2 of 4 stars). 3 submissions from 3 submitters: Uncertain significance (3). Last evaluated 2025-10-29.

Conditions:
Inborn genetic diseases. Identifiers: MedGen C0950123, MeSH D030342.
Autosomal dominant limb-girdle muscular dystrophy type 1F (LGMDD2). Also called: Limb-girdle muscular dystrophy, type 1F; MUSCULAR DYSTROPHY, LIMB-GIRDLE, AUTOSOMAL DOMINANT 2. Identifiers: Orphanet 55595, MedGen C1842062, MONDO:0012034, OMIM 608423.

Allele frequency attached by ClinVar (database versions not stated): gnomAD 0.00001; gnomAD exomes 0.00001 and 0.00002; TOPMed 0.00001; ExAC 0.00002; 1000 Genomes Project 30x 0.00016; 1000 Genomes Project 0.00020.
gnomAD v4.1: 19 of 1,614,184 alleles (0.0012%); highest among the groups gnomAD compares: South Asian, 0.0077%; no homozygotes.

Submissions (3):

Ambry Genetics
Classification: Uncertain significance for Inborn genetic diseases. Last evaluated: 2025-10-29. Review status: criteria provided, single submitter. Criteria: Ambry Variant Classification Scheme 2023. Collection method: clinical testing. Allele origin: germline.

Labcorp Genetics (formerly Invitae), Labcorp
Classification: Uncertain significance for Autosomal dominant limb-girdle muscular dystrophy type 1F. Last evaluated: 2021-10-20. Review status: criteria provided, single submitter. Criteria: Invitae Variant Classification Sherloc (09022015). Collection method: clinical testing. Allele origin: germline.
Comment: In summary, the available evidence is currently insufficient to determine the role of this variant in disease. Therefore, it has been classified as a Variant of Uncertain Significance. Algorithms developed to predict the effect of missense changes on protein structure and function output the following: SIFT: "Tolerated"; PolyPhen-2: "Benign"; Align-GVGD: "Class C0". The histidine amino acid residue is found in multiple mammalian species, which suggests that this missense change does not adversely affect protein function. ClinVar contains an entry for this variant (Variation ID: 289360). This variant has not been reported in the literature in individuals affected with TNPO3-related conditions. This variant is present in population databases (rs534068313, ExAC 0.01%). This sequence change replaces arginine with histidine at codon 468 of the TNPO3 protein (p.Arg468His). The arginine residue is moderately conserved and there is a small physicochemical difference between arginine and histidine.

Eurofins Ntd Llc (ga)
Classification: Uncertain significance. Last evaluated: 2016-07-06. Review status: criteria provided, single submitter. Criteria: EGL Classification Definitions 2015. Collection method: clinical testing. Allele origin: germline. Observed: 1 variant allele, 1 heterozygote.

NM_012470.4(TNPO3):c.1403G>A (p.Arg468His)

Gene: TNPO3 (transportin 3; minus strand). Cytogenetic location: 7q32.1.
Variant type: single nucleotide variant.
Coding change: c.1403G>A on transcript NM_012470.4 (MANE Select); coding-DNA position 1403, G replaced by A.
Protein change: p.Arg468His; replaces arginine 468 with histidine.
Molecular consequence: missense variant. On other transcripts: non-coding transcript variant (18).
Genome position (GRCh38, 1-based): chr7:128,990,056, C>T on the plus strand (G>A on the coding strand, the complement: TNPO3 is on the minus strand). VCF-style: chr7-128990056-C-T. GRCh37 (hg19) VCF-style: chr7-128630110-C-T.
Other names: c.1403G>A, p.Arg468His (NM_001382218.1, NM_001191028.3, NM_001382220.1 and 1 more transcripts); c.1295G>A, p.Arg432His (NM_001382219.1); c.1505G>A, p.Arg502His (NM_001382216.1); c.1484G>A, p.Arg495His (NM_001382217.1); c.1259G>A, p.Arg420His (NM_001382221.1); c.1256G>A, p.Arg419His (NM_001382222.1); short protein forms R468H, R419H, R420H, R432H, R495H, R502H.
Identifiers: ClinVar variation 289360 (VCV000289360.13), dbSNP rs534068313, ClinGen allele CA4478139.